The following is an entry in ClinVar:

NM_002103.5(GYS1):c.942-126G>A

Gene: GYS1 (glycogen synthase 1; minus strand). Cytogenetic location: 19q13.33.
Variant type: single nucleotide variant.
Coding change: c.942-126G>A on transcript NM_002103.5 (MANE Select); 126 bases into the intron before coding-DNA position 942, G replaced by A.
Molecular consequence: intron variant.
Genome position (GRCh38, 1-based): chr19:48,982,501, C>T on the plus strand (G>A on the coding strand, the complement: GYS1 is on the minus strand). VCF-style: chr19-48982501-C-T. GRCh37 (hg19) VCF-style: chr19-49485758-C-T.
Other names: c.750-126G>A (NM_001161587.2).
Identifiers: ClinVar variation 676131 (VCV000676131.2), dbSNP rs2270937, ClinGen allele CA309396041.

ClinVar aggregate classification (germline): Benign. Review status: criteria provided, multiple submitters, no conflicts (2 of 4 stars). 2 submissions from 2 submitters: Benign (2). Last evaluated 2018-06-19.

Allele frequency attached by ClinVar (database versions not stated): 1000 Genomes Project 30x 0.25874; 1000 Genomes Project 0.26278; TOPMed 0.29012; gnomAD 0.29138 and 0.29289; gnomAD exomes 0.31117.
gnomAD v4.1: 336,897 of 1,092,564 alleles (31%); highest among the groups gnomAD compares: Middle Eastern, 35%; 52,516 homozygotes.

Submissions (2):

GeneDx
Classification: Benign. Last evaluated: 2018-06-19. Review status: criteria provided, single submitter. Criteria: GeneDx Variant Classification (06012015). Collection method: clinical testing. Allele origin: germline. Affected: yes.
Comment: This variant is considered likely benign or benign based on one or more of the following criteria: it is a conservative change, it occurs at a poorly conserved position in the protein, it is predicted to be benign by multiple in silico algorithms, and/or has population frequency not consistent with disease.

Breakthrough Genomics
Classification: Benign. Review status: criteria provided, single submitter. Criteria: ACMG Guidelines, 2015. Collection method: not provided. Allele origin: germline. Inheritance: Autosomal recessive inheritance. Affected: yes.